The following is an entry in ClinVar:

ClinVar aggregate classification (germline): Uncertain significance (1 of 4 stars; one submission).

Submission:

Labcorp Genetics (formerly Invitae), Labcorp
Classification: Uncertain significance. Last evaluated: 2023-07-24. Review status: criteria provided, single submitter. Criteria: Invitae Variant Classification Sherloc (09022015). Collection method: clinical testing. Allele origin: germline.
Comment: In summary, the available evidence is currently insufficient to determine the role of this variant in disease. Therefore, it has been classified as a Variant of Uncertain Significance. An algorithm developed to predict the effect of missense changes on protein structure and function (PolyPhen-2) suggests that this variant is likely to be disruptive. This variant has not been reported in the literature in individuals affected with KIF20A-related conditions. This variant is not present in population databases (gnomAD no frequency). This sequence change replaces leucine, which is neutral and non-polar, with isoleucine, which is neutral and non-polar, at codon 180 of the KIF20A protein (p.Leu180Ile).

NM_005733.3(KIF20A):c.538C>A (p.Leu180Ile)

Gene: KIF20A (kinesin family member 20A; plus strand). Cytogenetic location: 5q31.2.
Variant type: single nucleotide variant.
Coding change: c.538C>A on transcript NM_005733.3 (MANE Select); coding-DNA position 538, C replaced by A.
Protein change: p.Leu180Ile; replaces leucine 180 with isoleucine.
Molecular consequence: missense variant.
Genome position (GRCh38, 1-based): chr5:138,182,609, C>A. VCF-style: chr5-138182609-C-A. GRCh37 (hg19) VCF-style: chr5-137518298-C-A.
Other names: short protein forms L180I.
Identifiers: ClinVar variation 2746155 (VCV002746155.3), dbSNP rs772680195, ClinGen allele CA361113359.